The following is an entry in ClinVar:

ClinVar aggregate classification (germline): Likely benign. Review status: criteria provided, multiple submitters, no conflicts (2 of 4 stars). 3 submissions from 3 submitters: Likely benign (3). Last evaluated 2025-11-03.

Conditions:
Autosomal recessive limb-girdle muscular dystrophy type 2J (LGMDR10). Also called: Limb-girdle muscular dystrophy, type 2J; MUSCULAR DYSTROPHY, LIMB-GIRDLE, AUTOSOMAL RECESSIVE 10. Identifiers: Orphanet 140922, MedGen C1837342, MONDO:0012127, OMIM 608807.
Dilated cardiomyopathy 1G (CMD1G). Identifiers: Orphanet 154, MedGen C1858763, MONDO:0011400, OMIM 604145.

Allele frequency attached by ClinVar (database versions not stated): TOPMed below 0.00001; gnomAD 0.00001; gnomAD exomes 0.00002; ExAC 0.00005.
gnomAD v4.1: 24 of 1,612,958 alleles (0.0015%); highest among the groups gnomAD compares: Middle Eastern, 0.083%; no homozygotes.

Submissions (3):

Labcorp Genetics (formerly Invitae), Labcorp
Classification: Likely benign for Dilated cardiomyopathy 1G; Autosomal recessive limb-girdle muscular dystrophy type 2J. Last evaluated: 2025-11-03. Review status: criteria provided, single submitter. Criteria: Invitae Variant Classification Sherloc (09022015). Collection method: clinical testing. Allele origin: germline.

Blueprint Genetics
Classification: Likely benign. Last evaluated: 2024-06-24. Review status: criteria provided, single submitter. Criteria: ACMG Guidelines, 2015. Collection method: clinical testing. Allele origin: germline.

GeneDx
Classification: Likely benign. Last evaluated: 2017-01-16. Review status: criteria provided, single submitter. Criteria: GeneDx Variant Classification (06012015). Collection method: clinical testing. Allele origin: germline. Affected: yes.
Comment: This variant is considered likely benign or benign based on one or more of the following criteria: it is a conservative change, it occurs at a poorly conserved position in the protein, it is predicted to be benign by multiple in silico algorithms, and/or has population frequency not consistent with disease.

NM_001267550.2(TTN):c.2076+13G>A

Gene: TTN (titin; minus strand). Cytogenetic location: 2q31.2.
Variant type: single nucleotide variant.
Coding change: c.2076+13G>A on transcript NM_001267550.2 (MANE Select); 13 bases into the intron after coding-DNA position 2076, G replaced by A.
Molecular consequence: intron variant.
Genome position (GRCh38, 1-based): chr2:178,789,347, C>T on the plus strand (G>A on the coding strand, the complement: TTN is on the minus strand). VCF-style: chr2-178789347-C-T. GRCh37 (hg19) VCF-style: chr2-179654074-C-T.
Other names: c.1938+13G>A (NM_003319.4, NM_133437.4, NM_133432.3); c.2076+13G>A (NM_133378.4, NM_001256850.1, NM_133379.5).
Identifiers: ClinVar variation 392749 (VCV000392749.10), dbSNP rs778505099, ClinGen allele CA2005913.
Genomic context (GRCh38, chr2:178,789,347, plus strand): 5'-AAGGAATTTCACATGATATGTGGTATTAATGTATTATAATAGGGGATTTCACACTTGGAA[C>T]AACAATAGTCACCTTTCCATGGGTAACTTGGATTTGTTCTTGTCTAGTAGCCATAGTTTC-3'